The following is an entry in ClinVar:

ClinVar aggregate classification (germline): Uncertain significance (1 of 4 stars; one submission).

Allele frequency attached by ClinVar (database versions not stated): gnomAD exomes below 0.00001; ExAC 0.00001.
gnomAD v4.1: 1 of 1,614,188 alleles (0.000062%); highest among the groups gnomAD compares: Non-Finnish European, 0.000085%; no homozygotes.

Submission:

Ambry Genetics
Classification: Uncertain significance. Last evaluated: 2024-04-19. Review status: criteria provided, single submitter. Criteria: Ambry Variant Classification Scheme 2023. Collection method: clinical testing. Allele origin: germline.
Comment: The p.E1408D variant (also known as c.4224G>C), located in coding exon 4 of the ALPK2 gene, results from a G to C substitution at nucleotide position 4224. The glutamic acid at codon 1408 is replaced by aspartic acid, an amino acid with highly similar properties. This amino acid position is conserved. In addition, this alteration is predicted to be tolerated by in silico analysis. Since supporting evidence is limited at this time, the clinical significance of this alteration remains unclear.

NM_052947.4(ALPK2):c.4224G>C (p.Glu1408Asp)

Genes: ALPK2 (alpha kinase 2; minus strand), LOC126862764 (BRD4-independent group 4 enhancer GRCh37_chr18:56202574-56203773; plus strand). Cytogenetic location: 18q21.31.
Variant type: single nucleotide variant.
Coding change: c.4224G>C on transcript NM_052947.4 (MANE Select); coding-DNA position 4224, G replaced by C.
Protein change: p.Glu1408Asp; replaces glutamic acid 1408 with aspartic acid.
Molecular consequence: missense variant.
Genome position (GRCh38, 1-based): chr18:58,535,963, C>G on the plus strand (G>C on the coding strand, the complement: ALPK2 is on the minus strand). VCF-style: chr18-58535963-C-G. GRCh37 (hg19) VCF-style: chr18-56203195-C-G.
Other names: short protein forms E1408D.
Identifiers: ClinVar variation 1738850 (VCV001738850.3), dbSNP rs778577589, ClinGen allele CA8976750.